The following is an entry in ClinVar:

NM_001127511.3(APC):c.-62TTG[1]

Gene: APC (APC regulator of Wnt signaling pathway; plus strand). Cytogenetic location: 5q22.2.
Variant type: Microsatellite.
Coding change: c.-62TTG[1] on transcript NM_001127511.3; one copy of the 3-base unit TTG starting at c.-62; the reference has two copies in a row; one copy, 3 bases deleted.
Molecular consequence: 5 prime UTR variant. On other transcripts: non-coding transcript variant (1), intron variant (5).
Genome position (GRCh38, 1-based): chr5:112,707,659-112,707,661, TTG deleted; deleting any 3 consecutive bases within chr5:112,707,654-112,707,661 gives the same sequence; the position shown is the placement nearest the transcript's 3' end. VCF-style (leftmost placement, unchanged base first): chr5-112707653-CTGT-C. GRCh37 (hg19) VCF-style: chr5-112043350-CTGT-C.
Other names: c.-245TTG[1] (NM_001354895.2, NM_001407447.1, NM_001407452.1 and 3 more transcripts); c.-62TTG[1] (NM_001354897.2, NM_001354902.2, NM_001407446.1); c.-1280TTG[1] (NM_001407470.1, NM_001407472.1); c.-19+10_-19+12del (NM_001407448.1, NM_001407450.1, NM_001407457.1 and 1 more transcripts); c.-43+10_-43+12del (NM_001407453.1).
Identifiers: ClinVar variation 1007446 (VCV001007446.8), dbSNP rs1750593628, ClinGen allele CA1573442594.

ClinVar aggregate classification (germline): Uncertain significance (1 of 4 stars; one submission).

Conditions:
Familial adenomatous polyposis 1 (FAP1). Also called: FAMILIAL ADENOMATOUS POLYPOSIS 1, ATTENUATED; POLYPOSIS, ADENOMATOUS INTESTINAL. Identifiers: MedGen C2713442, MONDO:0021056, OMIM 175100. Disease mechanism: loss of function.

Submission:

Labcorp Genetics (formerly Invitae), Labcorp
Classification: Uncertain significance for Familial adenomatous polyposis 1. Last evaluated: 2025-07-07. Review status: criteria provided, single submitter. Criteria: Invitae Variant Classification Sherloc (09022015). Collection method: clinical testing. Allele origin: germline.
Comment: This variant occurs in a non-coding region of the APC gene. It does not change the encoded amino acid sequence of the APC protein. This variant is not present in population databases (gnomAD no frequency). This variant has not been reported in the literature in individuals affected with APC-related conditions. Experimental studies and prediction algorithms are not available or were not evaluated, and the functional significance of this variant is currently unknown. In summary, the available evidence is currently insufficient to determine the role of this variant in disease. Therefore, it has been classified as a Variant of Uncertain Significance.